The following is an entry in ClinVar:

ClinVar aggregate classification (germline): Uncertain significance (1 of 4 stars; one submission).

Allele frequency attached by ClinVar (database versions not stated): gnomAD 0.00001; gnomAD exomes 0.00001; 1000 Genomes Project 30x 0.00016; 1000 Genomes Project 0.00020.
gnomAD v4.1: 16 of 1,614,200 alleles (0.00099%); highest among the groups gnomAD compares: Middle Eastern, 0.033%; 1 homozygote.

Submission:

Labcorp Genetics (formerly Invitae), Labcorp
Classification: Uncertain significance. Last evaluated: 2023-04-24. Review status: criteria provided, single submitter. Criteria: Invitae Variant Classification Sherloc (09022015). Collection method: clinical testing. Allele origin: germline.
Comment: In summary, the available evidence is currently insufficient to determine the role of this variant in disease. Therefore, it has been classified as a Variant of Uncertain Significance. Advanced modeling of protein sequence and biophysical properties (such as structural, functional, and spatial information, amino acid conservation, physicochemical variation, residue mobility, and thermodynamic stability) performed at Invitae indicates that this missense variant is expected to disrupt VPS13C protein function. ClinVar contains an entry for this variant (Variation ID: 1986919). This variant has not been reported in the literature in individuals affected with VPS13C-related conditions. This variant is present in population databases (rs138875838, gnomAD 0.007%). This sequence change replaces aspartic acid, which is acidic and polar, with histidine, which is basic and polar, at codon 2153 of the VPS13C protein (p.Asp2153His).

NM_020821.3(VPS13C):c.6457G>C (p.Asp2153His)

Gene: VPS13C (vacuolar protein sorting 13 homolog C; minus strand). Cytogenetic location: 15q22.2.
Variant type: single nucleotide variant.
Coding change: c.6457G>C on transcript NM_020821.3 (MANE Select); coding-DNA position 6457, G replaced by C.
Protein change: p.Asp2153His; replaces aspartic acid 2153 with histidine.
Molecular consequence: missense variant.
Genome position (GRCh38, 1-based): chr15:61,927,150, C>G on the plus strand (G>C on the coding strand, the complement: VPS13C is on the minus strand). VCF-style: chr15-61927150-C-G. GRCh37 (hg19) VCF-style: chr15-62219349-C-G.
Other names: c.6457G>C, p.Asp2153His (NM_001018088.3); c.6328G>C, p.Asp2110His (NM_017684.5, NM_018080.4); short protein forms D2110H, D2153H.
Identifiers: ClinVar variation 1986919 (VCV001986919.4), dbSNP rs138875838, ClinGen allele CA271898503.
Genomic context (GRCh38, chr15:61,927,150, plus strand): 5'-CTGTGGTAATGTTTTTCCCTCTCTTTTCTCTGAGAAAAGGGCAAGCGAGCACTTTCAGAT[C>G]TCTCACAGAAGCTTCCATCATCTGTTCGAGTTTGGATGTTGACAGAGAAAGGTTGCACTG-3'
Protein context (NP_065872.1, residues 2143-2163): LEQMMEASVR[Asp2153His]LKVLACPFLR